The following is an entry in ClinVar:

NM_052945.4(TNFRSF13C):c.137C>G (p.Ala46Gly)

Genes: TNFRSF13C (TNF receptor superfamily member 13C; minus strand), LOC130067574 (ATAC-STARR-seq lymphoblastoid silent region 13813; plus strand). Cytogenetic location: 22q13.2.
Variant type: single nucleotide variant.
Coding change: c.137C>G on transcript NM_052945.4 (MANE Select); coding-DNA position 137, C replaced by G.
Protein change: p.Ala46Gly; replaces alanine 46 with glycine.
Molecular consequence: missense variant.
Genome position (GRCh38, 1-based): chr22:41,926,331, G>C on the plus strand (C>G on the coding strand, the complement: TNFRSF13C is on the minus strand). VCF-style: chr22-41926331-G-C. GRCh37 (hg19) VCF-style: chr22-42322335-G-C.
Other names: short protein forms A46G.
Identifiers: ClinVar variation 3459139 (VCV003459139.3).

ClinVar aggregate classification (germline): Uncertain significance. Review status: criteria provided, multiple submitters, no conflicts (2 of 4 stars). 2 submissions from 2 submitters: Uncertain significance (2). Last evaluated 2025-09-24.

Conditions:
Immunodeficiency, common variable, 4. Also called: ANTIBODY DEFICIENCY DUE TO BAFFR DEFECT. Identifiers: Orphanet 1572, Orphanet 696925, MedGen C3150739, MONDO:0013284, OMIM 613494.

gnomAD v4.1: 23 of 1,414,104 alleles (0.0016%); highest among the groups gnomAD compares: South Asian, 0.033%; no homozygotes.

Submissions (2):

Labcorp Genetics (formerly Invitae), Labcorp
Classification: Uncertain significance for Immunodeficiency, common variable, 4. Last evaluated: 2025-09-24. Review status: criteria provided, single submitter. Criteria: Invitae Variant Classification Sherloc (09022015). Collection method: clinical testing. Allele origin: germline.
Comment: This sequence change replaces alanine, which is neutral and non-polar, with glycine, which is neutral and non-polar, at codon 46 of the TNFRSF13C protein (p.Ala46Gly). This variant is present in population databases (rs750766446, gnomAD 0.01%). This variant has not been reported in the literature in individuals affected with TNFRSF13C-related conditions. ClinVar contains an entry for this variant (Variation ID: 3459139). An algorithm developed to predict the effect of missense changes on protein structure and function outputs the following: PolyPhen-2: "Benign". The glycine amino acid residue is found in multiple mammalian species, which suggests that this missense change does not adversely affect protein function. In summary, the available evidence is currently insufficient to determine the role of this variant in disease. Therefore, it has been classified as a Variant of Uncertain Significance.

Ambry Genetics
Classification: Uncertain significance. Last evaluated: 2024-08-05. Review status: criteria provided, single submitter. Criteria: Ambry Variant Classification Scheme 2023. Collection method: clinical testing. Allele origin: germline.